The following is an entry in ClinVar:

ClinVar aggregate classification (germline): Uncertain significance. Review status: criteria provided, multiple submitters, no conflicts (2 of 4 stars). 3 submissions from 3 submitters: Uncertain significance (3). Last evaluated 2026-06-22.

Conditions:
SAMD11-related disorder. Also called: SAMD11-related condition.

Allele frequency attached by ClinVar (database versions not stated): gnomAD 0.00002; TOPMed 0.00008.

Submissions (3):

PreventionGenetics, part of Exact Sciences
Classification: Uncertain significance for SAMD11-related condition. Last evaluated: 2026-06-22. Review status: criteria provided, single submitter. Criteria: ACMG Guidelines, 2015. Collection method: clinical testing. Allele origin: germline.
Comment: The SAMD11 c.1489G>A variant is predicted to result in the amino acid substitution p.Glu497Lys. To our knowledge, this variant has not been reported in the literature. This variant is reported in 0.11% of alleles in individuals of Latino descent in gnomAD, which may be too frequent to be a primary cause of disease. Although we suspect that this variant may be benign, at this time, the clinical significance of this variant is uncertain due to the absence of conclusive functional and genetic evidence.

Labcorp Genetics (formerly Invitae), Labcorp
Classification: Uncertain significance. Last evaluated: 2024-11-11. Review status: criteria provided, single submitter. Criteria: Invitae Variant Classification Sherloc (09022015). Collection method: clinical testing. Allele origin: germline.
Comment: This sequence change replaces glutamic acid, which is acidic and polar, with lysine, which is basic and polar, at codon 497 of the SAMD11 protein (p.Glu497Lys). This variant is present in population databases (rs528834495, gnomAD 0.1%). This variant has not been reported in the literature in individuals affected with SAMD11-related conditions. ClinVar contains an entry for this variant (Variation ID: 835651). An algorithm developed to predict the effect of missense changes on protein structure and function (PolyPhen-2) suggests that this variant is likely to be disruptive. In summary, the available evidence is currently insufficient to determine the role of this variant in disease. Therefore, it has been classified as a Variant of Uncertain Significance.

Ambry Genetics
Classification: Uncertain significance. Last evaluated: 2024-07-09. Review status: criteria provided, single submitter. Criteria: Ambry Variant Classification Scheme 2023. Collection method: clinical testing. Allele origin: germline.

NM_001385641.1(SAMD11):c.1978G>A (p.Glu660Lys)

Gene: SAMD11 (sterile alpha motif domain containing 11; plus strand). Cytogenetic location: 1p36.33.
Variant type: single nucleotide variant.
Coding change: c.1978G>A on transcript NM_001385641.1 (MANE Select); coding-DNA position 1978, G replaced by A.
Protein change: p.Glu660Lys; replaces glutamic acid 660 with lysine.
Molecular consequence: missense variant.
Genome position (GRCh38, 1-based): chr1:942,983, G>A. VCF-style: chr1-942983-G-A. GRCh37 (hg19) VCF-style: chr1-878363-G-A.
Other names: c.1981G>A, p.Glu661Lys (NM_001385640.1); c.1489G>A, p.Glu497Lys (NM_152486.4); short protein forms E497K, E660K, E661K.
Identifiers: ClinVar variation 835651 (VCV000835651.8), dbSNP rs528834495, ClinGen allele CA503044.